The following is an entry in ClinVar:

NM_000088.4(COL1A1):c.3532-1G>A

Gene: COL1A1 (collagen type I alpha 1 chain; minus strand). Cytogenetic location: 17q21.33.
Variant type: single nucleotide variant.
Coding change: c.3532-1G>A on transcript NM_000088.4 (MANE Select); the canonical splice acceptor site of the intron before coding-DNA position 3532, G replaced by A.
Molecular consequence: splice acceptor variant.
Genome position (GRCh38, 1-based): chr17:50,186,923, C>T on the plus strand (G>A on the coding strand, the complement: COL1A1 is on the minus strand). VCF-style: chr17-50186923-C-T. GRCh37 (hg19) VCF-style: chr17-48264284-C-T.
Identifiers: ClinVar variation 4292129 (VCV004292129.1).
Genomic context (GRCh38, chr17:50,186,923, plus strand): 5'-GTCGAAACCAGCGCTGGGAGGACCAGGGGGACCAGGAGGTCCAGGAGGGCCGGGGGGACC[C>T]TGCACAGAGAGGGAAGAGAGTGGGGATTACCGGCATCCAAGTGCTTTGGGGGCTGGAGGG-3'

ClinVar aggregate classification (germline): Pathogenic (1 of 4 stars; one submission).

Conditions:
COL1A1-related disorder. Also called: COL1A1- related disease; COL1A1-related condition.

Submission:

3billion
Classification: Pathogenic for COL1A1-related disorder. Last evaluated: 2024-07-05. Review status: criteria provided, single submitter. Criteria: ACMG Guidelines, 2015. Collection method: clinical testing. Allele origin: germline. Affected: yes.
Comment: The variant is not observed in the gnomAD v4.0.0 dataset. Predicted Consequence/Location: Canonical splice site: predicted to alter splicing and result in a loss or disruption of normal protein function. Multiple pathogenic loss-of-function variants are reported downstream of the variant. The variant has been reported to be associated with COL1A1 related disorder (PMID: 25963598). Therefore, this variant is classified as Pathogenic according to the recommendation of ACMG/AMP guideline.

Literature cited by the submitters: PubMed 25963598.